The following is an entry in ClinVar:

NM_001204.7(BMPR2):c.200A>G (p.Tyr67Cys)

Gene: BMPR2 (bone morphogenetic protein receptor type 2; plus strand). Cytogenetic location: 2q33.1.
Variant type: single nucleotide variant.
Coding change: c.200A>G on transcript NM_001204.7 (MANE Select); coding-DNA position 200, A replaced by G.
Protein change: p.Tyr67Cys; replaces tyrosine 67 with cysteine.
Molecular consequence: missense variant.
Genome position (GRCh38, 1-based): chr2:202,464,932, A>G. VCF-style: chr2-202464932-A-G. GRCh37 (hg19) VCF-style: chr2-203329655-A-G.
Other names: c.200A>G (LRG_712t1); short protein forms Y67C.
Identifiers: ClinVar variation 425719 (VCV000425719.15), dbSNP rs1085307177, ClinGen allele CA350399384.
Genomic context (GRCh38, chr2:202,464,932, plus strand): 5'-GTGAGAGTAGAATCTCTCATGAAAATGGGACAATATTATGCTCGAAAGGTAGCACCTGCT[A>G]TGGCCTTTGGGAGAAATCAAAAGGGGACATAAATCTTGTAAAACAAGGCAAGTGATACTT-3'
Protein context (NP_001195.2, residues 57-77): TILCSKGSTC[Tyr67Cys]GLWEKSKGDI

ClinVar aggregate classification (germline): Pathogenic. Review status: criteria provided, multiple submitters, no conflicts (2 of 4 stars). 6 submissions from 6 submitters: Pathogenic (3). 3 of the submissions do not count toward it. Last evaluated 2025-09-10.

Conditions:
Pulmonary arterial hypertension. Identifiers: Orphanet 182090, MedGen C2973725, MeSH D000081029, MONDO:0015924, HP:0002092.
BMPR2-related disorder. Also called: BMPR2-related condition; BMPR2-related disorders.
Idiopathic and/or familial pulmonary arterial hypertension. Identifiers: Orphanet 422, MedGen C5679820, MONDO:0008347.
Pulmonary hypertension, primary, 1 (PPH1). Also called: Pulmonary hypertension, familial primary, 1, with or without HHT. Identifiers: Orphanet 422, MedGen C4552070, MONDO:0024533, OMIM 178600.
Primary pulmonary hypertension. Also called: Idiopathic pulmonary hypertension. Identifiers: MedGen C0152171.

Allele frequency attached by ClinVar (database versions not stated): gnomAD exomes below 0.00001.
gnomAD v4.1: 1 of 1,614,170 alleles (0.000062%); highest among the groups gnomAD compares: Non-Finnish European, 0.000085%; no homozygotes.

Submissions (6):

Genomic Medicine Center of Excellence, King Faisal Specialist Hospital and Research Centre
Classification: Pathogenic for Pulmonary hypertension, primary, 1. Last evaluated: 2025-09-10. Review status: criteria provided, single submitter. Criteria: ACMG Guidelines, 2015. Collection method: clinical testing. Allele origin: germline.

Labcorp Genetics (formerly Invitae), Labcorp
Classification: Pathogenic for Primary pulmonary hypertension. Last evaluated: 2024-08-06. Review status: criteria provided, single submitter. Criteria: Invitae Variant Classification Sherloc (09022015). Collection method: clinical testing. Allele origin: germline.
Comment: This sequence change replaces tyrosine, which is neutral and polar, with cysteine, which is neutral and slightly polar, at codon 67 of the BMPR2 protein (p.Tyr67Cys). This variant is not present in population databases (gnomAD no frequency). This missense change has been observed in individuals with pulmonary arterial hypertension (PMID: 15146475, 16429395, 18356561, 20002458). ClinVar contains an entry for this variant (Variation ID: 425719). Advanced modeling performed at Invitae incorporating data from internal and/or published experimental studies (Invitae) indicates that this missense variant is expected to disrupt BMPR2 function with a positive predictive value of 95%. Experimental studies have shown that this missense change affects BMPR2 function (PMID: 25187962). For these reasons, this variant has been classified as Pathogenic.

Blueprint Genetics
Classification: Pathogenic for BMPR2-related disorders. Last evaluated: 2023-06-15. Review status: criteria provided, single submitter. Criteria: ACMG Guidelines, 2015. Collection method: clinical testing. Allele origin: germline. Affected: yes. Observed: 1 variant allele.

NIHR Bioresource Rare Diseases, University of Cambridge
Classification: Pathogenic for Pulmonary arterial hypertension. Review status: no assertion criteria provided. Collection method: research. Allele origin: unknown. Affected: yes. Observed: 1 variant allele. Not counted in ClinVar's aggregate classification.

Rare Disease Genomics Group, St George's University of London
Classification: Pathogenic for Primary pulmonary hypertension. Review status: no assertion criteria provided. Collection method: literature only. Allele origin: germline. Affected: yes. Not counted in ClinVar's aggregate classification.

Wendy Chung Laboratory, Boston Children's Hospital
No classification provided. Condition: Idiopathic and/or familial pulmonary arterial hypertension. Review status: no classification provided. Collection method: literature only. Allele origin: germline. Affected: yes. Not counted in ClinVar's aggregate classification.

Literature cited by the submitters: PubMed 15146475 (cited by Labcorp Genetics (formerly Invitae), Labcorp and Rare Disease Genomics Group, St George's University of London); PubMed 16429395 (cited by Labcorp Genetics (formerly Invitae), Labcorp and Rare Disease Genomics Group, St George's University of London); PubMed 18356561 (cited by Labcorp Genetics (formerly Invitae), Labcorp); PubMed 20002458 (cited by Labcorp Genetics (formerly Invitae), Labcorp and Rare Disease Genomics Group, St George's University of London); PubMed 25187962 (cited by Labcorp Genetics (formerly Invitae), Labcorp); PubMed 32581362 (cited by NIHR Bioresource Rare Diseases, University of Cambridge); PubMed 20534176 (cited by Rare Disease Genomics Group, St George's University of London); PubMed 31727138 (cited by Wendy Chung Laboratory, Boston Children's Hospital).